The following is an entry in ClinVar:

ClinVar aggregate classification (germline): Pathogenic/Likely pathogenic. Review status: criteria provided, multiple submitters, no conflicts (2 of 4 stars). 3 submissions from 3 submitters: Pathogenic (1); Likely pathogenic (1). 1 of the submissions does not count toward it. Last evaluated 2024-01-11.

Conditions:
Combined oxidative phosphorylation defect type 15. Also called: Combined oxidative phosphorylation deficiency 15. Identifiers: Orphanet 319524, MedGen C4706313, MONDO:0013987, OMIM 614947.
Mitochondrial complex I deficiency, nuclear type 27. Also called: Mitochondrial complex 1 deficiency, nuclear type 27. Identifiers: MedGen C4748826, MONDO:0032631, OMIM 618248.

Allele frequency attached by ClinVar (database versions not stated): ExAC 0.00001; gnomAD 0.00001; gnomAD exomes 0.00001; TOPMed 0.00001.

Submissions (3):

Labcorp Genetics (formerly Invitae), Labcorp
Classification: Pathogenic. Last evaluated: 2024-01-11. Review status: criteria provided, single submitter. Criteria: Invitae Variant Classification Sherloc (09022015). Collection method: clinical testing. Allele origin: germline.
Comment: This sequence change creates a premature translational stop signal (p.Arg128*) in the MTFMT gene. It is expected to result in an absent or disrupted protein product. Loss-of-function variants in MTFMT are known to be pathogenic (PMID: 21907147, 24461907). This variant is present in population databases (rs397514613, gnomAD 0.002%). This premature translational stop signal has been observed in individual(s) with combined oxidative phosphorylation deficiency (PMID: 21907147). It has also been observed to segregate with disease in related individuals. ClinVar contains an entry for this variant (Variation ID: 39828). Algorithms developed to predict the effect of sequence changes on RNA splicing suggest that this variant may disrupt the consensus splice site. For these reasons, this variant has been classified as Pathogenic.

Fulgent Genetics
Classification: Likely pathogenic for Combined oxidative phosphorylation defect type 15; Mitochondrial complex I deficiency, nuclear type 27. Last evaluated: 2022-01-17. Review status: criteria provided, single submitter. Criteria: ACMG Guidelines, 2015. Collection method: clinical testing. Allele origin: unknown.

OMIM
Classification: Pathogenic for COMBINED OXIDATIVE PHOSPHORYLATION DEFICIENCY 15. Last evaluated: 2011-09-07. Review status: no assertion criteria provided. Collection method: literature only. Allele origin: germline. Not counted in ClinVar's aggregate classification.

Literature cited by the submitters: PubMed 21907147 (cited by Labcorp Genetics (formerly Invitae), Labcorp and OMIM); PubMed 24461907 (cited by Labcorp Genetics (formerly Invitae), Labcorp).

NM_139242.4(MTFMT):c.382C>T (p.Arg128Ter)

Gene: MTFMT (mitochondrial methionyl-tRNA formyltransferase; minus strand). Cytogenetic location: 15q22.31.
Variant type: single nucleotide variant.
Coding change: c.382C>T on transcript NM_139242.4 (MANE Select); coding-DNA position 382, C replaced by T.
Protein change: p.Arg128Ter; replaces arginine 128 with a stop codon.
Molecular consequence: nonsense.
Genome position (GRCh38, 1-based): chr15:65,026,868, G>A on the plus strand (C>T on the coding strand, the complement: MTFMT is on the minus strand). VCF-style: chr15-65026868-G-A. GRCh37 (hg19) VCF-style: chr15-65319206-G-A.
Other names: short protein forms R128*.
Identifiers: ClinVar variation 39828 (VCV000039828.5), dbSNP rs397514613, ClinGen allele CA130600.